The following is an entry in ClinVar:

NM_000388.4(CASR):c.1919C>A (p.Thr640Lys)

Gene: CASR (calcium sensing receptor; plus strand). Cytogenetic location: 3q21.1.
Variant type: single nucleotide variant.
Coding change: c.1919C>A on transcript NM_000388.4 (MANE Select); coding-DNA position 1919, C replaced by A.
Protein change: p.Thr640Lys; replaces threonine 640 with lysine.
Molecular consequence: missense variant.
Genome position (GRCh38, 1-based): chr3:122,283,873, C>A. VCF-style: chr3-122283873-C-A. GRCh37 (hg19) VCF-style: chr3-122002720-C-A.
Other names: c.1949C>A, p.Thr650Lys (NM_001178065.2); short protein forms T640K, T650K.
Identifiers: ClinVar variation 1024187 (VCV001024187.11), dbSNP rs1559968450, ClinGen allele CA354157985.

ClinVar aggregate classification (germline): Uncertain significance. Review status: criteria provided, multiple submitters, no conflicts (2 of 4 stars). 2 submissions from 2 submitters: Uncertain significance (2). Last evaluated 2022-02-12.

Conditions:
Autosomal dominant hypocalcemia 1 (HYPOC1). Also called: HYPOCALCEMIA, FAMILIAL. Identifiers: MedGen C3715128, MONDO:0011013, OMIM 601198.
Familial hypocalciuric hypercalcemia (FHH). Also called: Familial benign hypercalcemia. Identifiers: Orphanet 405, MedGen C1809471, MONDO:0018458.
Nephrolithiasis/nephrocalcinosis. Identifiers: MedGen CN580796.

Allele frequency attached by ClinVar (database versions not stated): gnomAD exomes below 0.00001.

Submissions (2):

Ambry Genetics
Classification: Uncertain significance for Nephrolithiasis/nephrocalcinosis. Last evaluated: 2022-02-12. Review status: criteria provided, single submitter. Criteria: Ambry Variant Classification Scheme 2023. Collection method: clinical testing. Allele origin: germline.
Comment: The p.T640K variant (also known as c.1919C>A), located in coding exon 6 of the CASR gene, results from a C to A substitution at nucleotide position 1919. The threonine at codon 640 is replaced by lysine, an amino acid with similar properties. This amino acid position is conserved. In addition, this alteration is predicted to be deleterious by in silico analysis. Since supporting evidence is limited at this time, the clinical significance of this alteration remains unclear.

Labcorp Genetics (formerly Invitae), Labcorp
Classification: Uncertain significance for Familial hypocalciuric hypercalcemia; Autosomal dominant hypocalcemia 1. Last evaluated: 2020-07-27. Review status: criteria provided, single submitter. Criteria: Invitae Variant Classification Sherloc (09022015). Collection method: clinical testing. Allele origin: germline.
Comment: This sequence change replaces threonine with lysine at codon 640 of the CASR protein (p.Thr640Lys). The threonine residue is highly conserved and there is a moderate physicochemical difference between threonine and lysine. This variant is not present in population databases (ExAC no frequency). This variant has not been reported in the literature in individuals with CASR-related conditions. Algorithms developed to predict the effect of missense changes on protein structure and function (SIFT, PolyPhen-2, Align-GVGD) all suggest that this variant is likely to be disruptive, but these predictions have not been confirmed by published functional studies and their clinical significance is uncertain. In summary, the available evidence is currently insufficient to determine the role of this variant in disease. Therefore, it has been classified as a Variant of Uncertain Significance.